The following is an entry in ClinVar:

ClinVar aggregate classification (germline): Benign/Likely benign. Review status: criteria provided, multiple submitters, no conflicts (2 of 4 stars). 5 submissions from 5 submitters: Benign (3); Likely benign (2). Last evaluated 2026-07-09.

Conditions:
Inborn genetic diseases. Identifiers: MedGen C0950123, MeSH D030342.
Developmental and epileptic encephalopathy, 54. Also called: HNRNPU-Related Neurodevelopmental Disorder; Epileptic encephalopathy, early infantile, 54. Identifiers: MedGen C4479319, MONDO:0033363, OMIM 617391.
HNRNPU-related disorder. Also called: HNRNPU-related condition.

Allele frequency attached by ClinVar (database versions not stated): gnomAD exomes 0.00003 and 0.00009; gnomAD 0.00005 and 0.00014; ESP Exome Variant Server 0.00008; TOPMed 0.00008; ExAC 0.00011; 1000 Genomes Project 30x 0.00094; 1000 Genomes Project 0.00120.
gnomAD v4.1: 73 of 1,613,398 alleles (0.0045%); highest among the groups gnomAD compares: East Asian, 0.058%; 2 homozygotes.

Submissions (5):

PreventionGenetics, part of Exact Sciences
Classification: Likely benign for HNRNPU-related condition. Last evaluated: 2026-07-09. Review status: criteria provided, single submitter. Criteria: ACMG Guidelines, 2015. Collection method: clinical testing. Allele origin: germline.
Comment: This variant is classified as likely benign based on ACMG/AMP sequence variant interpretation guidelines (Richards et al. 2015 PMID: 25741868, with internal and published modifications).

Labcorp Genetics (formerly Invitae), Labcorp
Classification: Benign for Developmental and epileptic encephalopathy, 54. Last evaluated: 2025-11-25. Review status: criteria provided, single submitter. Criteria: Invitae Variant Classification Sherloc (09022015). Collection method: clinical testing. Allele origin: germline.

CeGaT Center for Human Genetics Tuebingen
Classification: Likely benign. Last evaluated: 2023-04-01. Review status: criteria provided, single submitter. Criteria: CeGaT Center For Human Genetics Tuebingen Variant Classification Criteria Version 2. Collection method: clinical testing. Allele origin: germline. Affected: yes. Observed: 1 variant allele.
Comment: HNRNPU: PP2, BS1

GeneDx
Classification: Benign. Last evaluated: 2020-03-13. Review status: criteria provided, single submitter. Criteria: GeneDx Variant Classification Process June 2021. Collection method: clinical testing. Allele origin: germline. Affected: yes.

Ambry Genetics
Classification: Benign for Inborn genetic diseases. Last evaluated: 2019-06-28. Review status: criteria provided, single submitter. Criteria: Ambry Variant Classification Scheme 2023. Collection method: clinical testing. Allele origin: germline.

NM_031844.3(HNRNPU):c.1460G>C (p.Gly487Ala)

Gene: HNRNPU (heterogeneous nuclear ribonucleoprotein U; minus strand). Cytogenetic location: 1q44.
Variant type: single nucleotide variant.
Coding change: c.1460G>C on transcript NM_031844.3 (MANE Select); coding-DNA position 1460, G replaced by C.
Protein change: p.Gly487Ala; replaces glycine 487 with alanine.
Molecular consequence: missense variant.
Genome position (GRCh38, 1-based): chr1:244,858,045, C>G on the plus strand (G>C on the coding strand, the complement: HNRNPU is on the minus strand). VCF-style: chr1-244858045-C-G. GRCh37 (hg19) VCF-style: chr1-245021347-C-G.
Other names: c.1403G>C, p.Gly468Ala (NM_004501.3); short protein forms G487A, G468A.
Identifiers: ClinVar variation 406729 (VCV000406729.39), dbSNP rs199740131, ClinGen allele CA1486457.